The following is an entry in ClinVar:

ClinVar aggregate classification (germline): Uncertain significance. Review status: criteria provided, multiple submitters, no conflicts (2 of 4 stars). 2 submissions from 2 submitters: Uncertain significance (2). Last evaluated 2024-07-09.

Conditions:
Early-infantile DEE. Also called: Early infantile epileptic encephalopathy; Early infantile epileptic encephalopathy with suppression bursts; Ohtahara syndrome. Identifiers: Orphanet 1934, MedGen C0393706, MONDO:0800491.

gnomAD v4.1: 14 of 1,613,948 alleles (0.00087%); highest among the groups gnomAD compares: Non-Finnish European, 0.0012%; no homozygotes.

Submissions (2):

GeneDx
Classification: Uncertain significance. Last evaluated: 2024-07-09. Review status: criteria provided, single submitter. Criteria: GeneDx Variant Classification Process June 2021. Collection method: clinical testing. Allele origin: germline. Affected: yes.
Comment: Not observed at significant frequency in large population cohorts (gnomAD); Has not been previously published as pathogenic or benign to our knowledge; In silico analysis suggests this variant may impact gene splicing. In the absence of RNA/functional studies, the actual effect of this sequence change is unknown.

Labcorp Genetics (formerly Invitae), Labcorp
Classification: Uncertain significance for Early-infantile DEE. Last evaluated: 2023-03-20. Review status: criteria provided, single submitter. Criteria: Invitae Variant Classification Sherloc (09022015). Collection method: clinical testing. Allele origin: germline.
Comment: In summary, the available evidence is currently insufficient to determine the role of this variant in disease. Therefore, it has been classified as a Variant of Uncertain Significance. Algorithms developed to predict the effect of sequence changes on RNA splicing suggest that this variant may create or strengthen a splice site. This variant has not been reported in the literature in individuals affected with SPTAN1-related conditions. This variant is not present in population databases (gnomAD no frequency). This sequence change falls in intron 55 of the SPTAN1 gene. It does not directly change the encoded amino acid sequence of the SPTAN1 protein.

NM_001130438.3(SPTAN1):c.7161-13C>G

Gene: SPTAN1 (spectrin alpha, non-erythrocytic 1; plus strand). Cytogenetic location: 9q34.11.
Variant type: single nucleotide variant.
Coding change: c.7161-13C>G on transcript NM_001130438.3 (MANE Select); 13 bases into the intron before coding-DNA position 7161, C replaced by G.
Molecular consequence: intron variant.
Genome position (GRCh38, 1-based): chr9:128,632,795, C>G. VCF-style: chr9-128632795-C-G. GRCh37 (hg19) VCF-style: chr9-131395074-C-G.
Other names: c.7260-13C>G (NM_001375318.1); c.7197-13C>G (NM_001375312.2); c.7161-13C>G (NM_001375311.2); c.7101-13C>G (NM_001375314.2, NM_001363765.2); c.7248-13C>G (NM_001375310.1); c.7224-13C>G (NM_001363759.2); c.7143-13C>G (NM_001375313.1); c.7146-13C>G (NM_003127.4); and 1 more.
Identifiers: ClinVar variation 2723228 (VCV002723228.4), dbSNP rs1489017459, ClinGen allele CA860273402.